The following is an entry in ClinVar:

ClinVar aggregate classification (germline): Uncertain significance (1 of 4 stars; one submission).

Conditions:
KIDINS220-related disorder. Also called: KIDINS220-related condition.

gnomAD v4.1: 1 of 1,614,090 alleles (0.000062%); highest among the groups gnomAD compares: South Asian, 0.0011%; no homozygotes.

Submission:

PreventionGenetics, part of Exact Sciences
Classification: Uncertain significance for KIDINS220-related condition. Last evaluated: 2026-03-20. Review status: criteria provided, single submitter. Criteria: ACMG Guidelines, 2015. Collection method: clinical testing. Allele origin: germline.
Comment: The KIDINS220 c.3629T>C variant is predicted to result in the amino acid substitution p.Leu1210Pro. To our knowledge, this variant has not been reported in the literature. This variant is reported in 0.0033% of alleles in individuals of South Asian descent in gnomAD. At this time, the clinical significance of this variant is uncertain due to the absence of conclusive functional and genetic evidence.

NM_020738.4(KIDINS220):c.3629T>C (p.Leu1210Pro)

Gene: KIDINS220 (kinase D interacting substrate 220; minus strand). Cytogenetic location: 2p25.1.
Variant type: single nucleotide variant.
Coding change: c.3629T>C on transcript NM_020738.4 (MANE Select); coding-DNA position 3629, T replaced by C.
Protein change: p.Leu1210Pro; replaces leucine 1210 with proline.
Molecular consequence: missense variant. On other transcripts: non-coding transcript variant (2).
Genome position (GRCh38, 1-based): chr2:8,736,956, A>G on the plus strand (T>C on the coding strand, the complement: KIDINS220 is on the minus strand). VCF-style: chr2-8736956-A-G. GRCh37 (hg19) VCF-style: chr2-8877086-A-G.
Other names: c.3632T>C, p.Leu1211Pro (NM_001348729.2); c.3575T>C, p.Leu1192Pro (NM_001348731.2); c.3572T>C, p.Leu1191Pro (NM_001348732.2, NM_001348738.2); c.3461T>C, p.Leu1154Pro (NM_001348734.2, NM_001348739.2, NM_001348740.2); c.3458T>C, p.Leu1153Pro (NM_001348735.2, NM_001348741.2, NM_001348742.2 and 1 more transcripts); c.3332T>C, p.Leu1111Pro (NM_001348736.2); short protein forms L1153P, L1191P, L1211P, L1111P, L1154P, L1192P, L1210P.
Identifiers: ClinVar variation 4986261 (VCV004986261.1).